The following is an entry in ClinVar:

ClinVar aggregate classification (germline): Uncertain significance (1 of 4 stars; one submission).

Submission:

Labcorp Genetics (formerly Invitae), Labcorp
Classification: Uncertain significance. Last evaluated: 2025-02-10. Review status: criteria provided, single submitter. Criteria: Invitae Variant Classification Sherloc (09022015). Collection method: clinical testing. Allele origin: germline.
Comment: This sequence change replaces lysine, which is basic and polar, with glutamic acid, which is acidic and polar, at codon 96 of the GDF5 protein (p.Lys96Glu). This variant is not present in population databases (gnomAD no frequency). This variant has not been reported in the literature in individuals affected with GDF5-related conditions. ClinVar contains an entry for this variant (Variation ID: 1389242). An algorithm developed to predict the effect of missense changes on protein structure and function (PolyPhen-2) suggests that this variant is likely to be disruptive. In summary, the available evidence is currently insufficient to determine the role of this variant in disease. Therefore, it has been classified as a Variant of Uncertain Significance.

NM_000557.5(GDF5):c.286A>G (p.Lys96Glu)

Gene: GDF5 (growth differentiation factor 5; minus strand). Cytogenetic location: 20q11.22.
Variant type: single nucleotide variant.
Coding change: c.286A>G on transcript NM_000557.5 (MANE Select); coding-DNA position 286, A replaced by G.
Protein change: p.Lys96Glu; replaces lysine 96 with glutamic acid.
Molecular consequence: missense variant.
Genome position (GRCh38, 1-based): chr20:35,437,643, T>C on the plus strand (A>G on the coding strand, the complement: GDF5 is on the minus strand). VCF-style: chr20-35437643-T-C. GRCh37 (hg19) VCF-style: chr20-34025423-T-C.
Other names: c.286A>G, p.Lys96Glu (NM_001319138.2); short protein forms K96E.
Identifiers: ClinVar variation 1389242 (VCV001389242.8), dbSNP rs2146583161, ClinGen allele CA408744300.
Genomic context (GRCh38, chr20:35,437,643, plus strand): 5'-GCCTTGTTTGGGGAGGGTGTCCTGGCTTGGGTTCAGGGCCGCCCGGTCTGGGGGGCAGCT[T>C]TTTGGGTTCATCCTTCTTGGGCTGTGTCAGGCCTCCTGTCTGCCCGGTGCCTCCCTTTGC-3'
Protein context (NP_000548.2, residues 86-106): LTQPKKDEPK[Lys96Glu]LPPRPGGPEP